The following is an entry in ClinVar:

ClinVar aggregate classification (germline): Uncertain significance (1 of 4 stars; one submission).

gnomAD v4.1: 15 of 1,567,096 alleles (0.00096%); highest among the groups gnomAD compares: African/African-American, 0.0041%; no homozygotes.

Submission:

Labcorp Genetics (formerly Invitae), Labcorp
Classification: Uncertain significance. Last evaluated: 2025-09-16. Review status: criteria provided, single submitter. Criteria: Invitae Variant Classification Sherloc (09022015). Collection method: clinical testing. Allele origin: germline.
Comment: This sequence change replaces valine, which is neutral and non-polar, with isoleucine, which is neutral and non-polar, at codon 343 of the AHDC1 protein (p.Val343Ile). The frequency data for this variant in the population databases is considered unreliable, as metrics indicate poor data quality at this position in the gnomAD database. This variant has not been reported in the literature in individuals affected with AHDC1-related conditions. An algorithm developed to predict the effect of missense changes on protein structure and function (PolyPhen-2) suggests that this variant is likely to be tolerated. In summary, the available evidence is currently insufficient to determine the role of this variant in disease. Therefore, it has been classified as a Variant of Uncertain Significance.

NM_001371928.1(AHDC1):c.1027G>A (p.Val343Ile)

Gene: AHDC1 (AT-hook DNA binding motif containing 1; minus strand). Cytogenetic location: 1p36.11.
Variant type: single nucleotide variant.
Coding change: c.1027G>A on transcript NM_001371928.1 (MANE Select); coding-DNA position 1027, G replaced by A.
Protein change: p.Val343Ile; replaces valine 343 with isoleucine.
Molecular consequence: missense variant.
Genome position (GRCh38, 1-based): chr1:27,551,089, C>T on the plus strand (G>A on the coding strand, the complement: AHDC1 is on the minus strand). VCF-style: chr1-27551089-C-T. GRCh37 (hg19) VCF-style: chr1-27877600-C-T.
Other names: c.1027G>A, p.Val343Ile (NM_001029882.3); short protein forms V343I.
Identifiers: ClinVar variation 4707475 (VCV004707475.1).